The following is an entry in ClinVar:

NM_001261826.3(AP3D1):c.3629C>T (p.Ala1210Val)

Gene: AP3D1 (adaptor related protein complex 3 subunit delta 1; minus strand). Cytogenetic location: 19p13.3.
Variant type: single nucleotide variant.
Coding change: c.3629C>T on transcript NM_001261826.3 (MANE Select); coding-DNA position 3629, C replaced by T.
Protein change: p.Ala1210Val; replaces alanine 1210 with valine.
Molecular consequence: missense variant.
Genome position (GRCh38, 1-based): chr19:2,102,192, G>A on the plus strand (C>T on the coding strand, the complement: AP3D1 is on the minus strand). VCF-style: chr19-2102192-G-A. GRCh37 (hg19) VCF-style: chr19-2102191-G-A.
Other names: c.3593C>T, p.Ala1198Val (NM_001374799.1); c.3443C>T, p.Ala1148Val (NM_003938.8); short protein forms A1198V, A1210V, A1148V.
Identifiers: ClinVar variation 1978054 (VCV001978054.5), dbSNP rs764883354, ClinGen allele CA9058302.

ClinVar aggregate classification (germline): Uncertain significance (1 of 4 stars; one submission).

Allele frequency attached by ClinVar (database versions not stated): ExAC 0.00002; TOPMed 0.00001; gnomAD 0.00001; gnomAD exomes 0.00001.
gnomAD v4.1: 8 of 1,613,748 alleles (0.0005%); highest among the groups gnomAD compares: South Asian, 0.0066%; no homozygotes.

Submission:

Labcorp Genetics (formerly Invitae), Labcorp
Classification: Uncertain significance. Last evaluated: 2025-05-19. Review status: criteria provided, single submitter. Criteria: Invitae Variant Classification Sherloc (09022015). Collection method: clinical testing. Allele origin: germline.
Comment: This sequence change replaces alanine, which is neutral and non-polar, with valine, which is neutral and non-polar, at codon 1210 of the AP3D1 protein (p.Ala1210Val). This variant is present in population databases (rs764883354, gnomAD 0.003%). This variant has not been reported in the literature in individuals affected with AP3D1-related conditions. ClinVar contains an entry for this variant (Variation ID: 1978054). An algorithm developed to predict the effect of missense changes on protein structure and function outputs the following: PolyPhen-2: "Benign". The valine amino acid residue is found in multiple mammalian species, which suggests that this missense change does not adversely affect protein function. Algorithms developed to predict the effect of sequence changes on RNA splicing suggest that this variant may create or strengthen a splice site. In summary, the available evidence is currently insufficient to determine the role of this variant in disease. Therefore, it has been classified as a Variant of Uncertain Significance.